The following is an entry in ClinVar:

NC_000017.11:g.46092442_46290846dup

Genes: ARL17B (ARF like GTPase 17B; minus strand), KANSL1 (KAT8 regulatory NSL complex subunit 1), KANSL1-AS1 (KANSL1 antisense RNA 1), LRRC37A (leucine rich repeat containing 37A), LOC126862577 (P300/CBP strongly-dependent group 1 enhancer GRCh37_chr17:44361168-44362367; plus strand) and 1 more. Cytogenetic location: 17q21.31.
Variant type: Duplication.
Identifiers: ClinVar variation 157387 (VCV000157387.3).

ClinVar aggregate classification (germline): not provided. Review status: no classification provided (0 of 4 stars). 3 submissions from 1 submitter: not provided (3).

Conditions:
Small for gestational age. Also called: Low birth weight. Identifiers: MedGen C0235991, HP:0001518.
Normal pregnancy. Identifiers: MedGen C0232989.
Large for gestational age. Identifiers: MedGen C1848395, HP:0001520.

Submissions (3):

Institute of Molecular and Cell Biology, University of Tartu
No classification provided. Condition: Normal pregnancy. Review status: no classification provided. Collection method: case-control. Allele origin: unknown. Affected: yes. Study: Kasak2014.
Comment: The study aimed to determine the contribution of copy number variants in the genetic etiology of normal and complicated pregnancies. The samples represented (i) maternal blood DNA drawn from healthy pregnant women during 1st or 2nd trimester and (ii) maternal and paternal blood DNA drawn at term pregnancy cases representing normal and complicated gestations (severe preeclampsia, PE; gestational diabetes, GD; small-for-gestational age newborn, SGA; large-for-gestational age newborn, LGA). We performed CNV calling based on genome-wide genotyping dataset (Illumina HumanOmniExpress-24-v1 BeadChip) by applying three algorithms, QuantiSNP, GADA (Genome Alteration Detection Algorithm) and CNstream in parallel. The acquired CNV calls were merged with HD-CNV (Hotspot Detector for Copy Number Variants) program and only the CNVs predicted by at least two programs, were considered in subsequent analysis.

Institute of Molecular and Cell Biology, University of Tartu
No classification provided. Condition: Small for gestational age. Review status: no classification provided. Collection method: case-control. Allele origin: unknown. Affected: yes. Study: Kasak2014.
Comment: the same text as in the submission from Institute of Molecular and Cell Biology, University of Tartu above.

Institute of Molecular and Cell Biology, University of Tartu
No classification provided. Condition: Large for gestational age. Review status: no classification provided. Collection method: case-control. Allele origin: unknown. Affected: yes. Study: Kasak2014.
Comment: the same text as in the submission from Institute of Molecular and Cell Biology, University of Tartu above.

Literature cited by the submitters: PubMed 25666259.